The following is an entry in ClinVar:

ClinVar aggregate classification (germline): Uncertain significance (1 of 4 stars; one submission).

Submission:

Labcorp Genetics (formerly Invitae), Labcorp
Classification: Uncertain significance. Last evaluated: 2024-02-24. Review status: criteria provided, single submitter. Criteria: Invitae Variant Classification Sherloc (09022015). Collection method: clinical testing. Allele origin: germline.
Comment: This sequence change replaces asparagine, which is neutral and polar, with serine, which is neutral and polar, at codon 158 of the HPS4 protein (p.Asn158Ser). This variant is present in population databases (no rsID available, gnomAD 0.004%). This variant has not been reported in the literature in individuals affected with HPS4-related conditions. Algorithms developed to predict the effect of missense changes on protein structure and function output the following: SIFT: "Not Available"; PolyPhen-2: "Benign"; Align-GVGD: "Not Available". The serine amino acid residue is found in multiple mammalian species, which suggests that this missense change does not adversely affect protein function. In summary, the available evidence is currently insufficient to determine the role of this variant in disease. Therefore, it has been classified as a Variant of Uncertain Significance.

NM_022081.6(HPS4):c.473A>G (p.Asn158Ser)

Gene: HPS4 (HPS4 biogenesis of lysosomal organelles complex 3 subunit 2; minus strand). Cytogenetic location: 22q12.1.
Variant type: single nucleotide variant.
Coding change: c.473A>G on transcript NM_022081.6 (MANE Select); coding-DNA position 473, A replaced by G.
Protein change: p.Asn158Ser; replaces asparagine 158 with serine.
Molecular consequence: missense variant. On other transcripts: non-coding transcript variant (8).
Genome position (GRCh38, 1-based): chr22:26,472,330, T>C on the plus strand (A>G on the coding strand, the complement: HPS4 is on the minus strand). VCF-style: chr22-26472330-T-C. GRCh37 (hg19) VCF-style: chr22-26868296-T-C.
Other names: c.473A>G, p.Asn158Ser (NM_001349896.1, NM_001349898.2, NM_001349899.2 and 7 more transcripts); c.458A>G, p.Asn153Ser (NM_152841.2); short protein forms N153S, N158S.
Identifiers: ClinVar variation 3620183 (VCV003620183.2).